The following is an entry in ClinVar:

NM_000465.4(BARD1):c.438del (p.Trp146fs)

Gene: BARD1 (BRCA1 associated RING domain 1; minus strand). Cytogenetic location: 2q35.
Variant type: Deletion.
Coding change: c.438del on transcript NM_000465.4 (MANE Select); coding-DNA position 438, one base deleted (G; older notation c.438delG).
Protein change: p.Trp146fs; shifts the reading frame from tryptophan 146.
Molecular consequence: frameshift variant. On other transcripts: non-coding transcript variant (2), intron variant (3).
Genome position (GRCh38, 1-based): chr2:214,781,436, C deleted on the plus strand (G on the coding strand, the reverse complement: BARD1 is on the minus strand); the first of 2 consecutive C bases (chr2:214,781,436-214,781,437); deleting either gives the same sequence. VCF-style (leftmost placement, unchanged base first): chr2-214781435-AC-A. GRCh37 (hg19) VCF-style: chr2-215646159-AC-A.
Other names: c.381del, p.Trp127fs (NM_001282543.2); c.158+27976del (NM_001282548.2); c.215+15625del (NM_001282545.2); c.364+10861del (NM_001282549.2); short protein forms W127fs, W146fs.
Identifiers: ClinVar variation 3254389 (VCV003254389.1), dbSNP rs2469513544.

ClinVar aggregate classification (germline): Pathogenic (1 of 4 stars; one submission).

Conditions:
Familial cancer of breast. Also called: BREAST CANCER, FAMILIAL; Hereditary breast cancer; hereditary breast carcinoma. Identifiers: Orphanet 227535, MedGen C0346153, MONDO:0016419, OMIM 114480. Disease mechanism: loss of function.

Submission:

Myriad Genetics, Inc.
Classification: Pathogenic for Familial cancer of breast. Last evaluated: 2024-05-17. Review status: criteria provided, single submitter. Criteria: Myriad Autosomal Dominant, Autosomal Recessive and X-Linked Classification Criteria (2023). Collection method: clinical testing. Allele origin: unknown.
Comment: This variant is considered pathogenic. This variant creates a frameshift predicted to result in premature protein truncation.